The following is an entry in ClinVar:

ClinVar aggregate classification (germline): Uncertain significance (1 of 4 stars; one submission).

Submission:

Labcorp Genetics (formerly Invitae), Labcorp
Classification: Uncertain significance. Last evaluated: 2022-06-26. Review status: criteria provided, single submitter. Criteria: Invitae Variant Classification Sherloc (09022015). Collection method: clinical testing. Allele origin: germline.
Comment: In summary, the available evidence is currently insufficient to determine the role of this variant in disease. Therefore, it has been classified as a Variant of Uncertain Significance. Algorithms developed to predict the effect of missense changes on protein structure and function are either unavailable or do not agree on the potential impact of this missense change (SIFT: "Not Available"; PolyPhen-2: "Benign"; Align-GVGD: "Not Available"). This variant has not been reported in the literature in individuals affected with UNC80-related conditions. This variant is not present in population databases (gnomAD no frequency). This sequence change replaces isoleucine, which is neutral and non-polar, with leucine, which is neutral and non-polar, at codon 2398 of the UNC80 protein (p.Ile2398Leu).

NM_001371986.1(UNC80):c.7390A>C (p.Ile2464Leu)

Gene: UNC80 (unc-80 subunit of NALCN channel complex; plus strand). Cytogenetic location: 2q34.
Variant type: single nucleotide variant.
Coding change: c.7390A>C on transcript NM_001371986.1 (MANE Select); coding-DNA position 7390, A replaced by C.
Protein change: p.Ile2464Leu; replaces isoleucine 2464 with leucine.
Molecular consequence: missense variant.
Genome position (GRCh38, 1-based): chr2:209,954,203, A>C. VCF-style: chr2-209954203-A-C. GRCh37 (hg19) VCF-style: chr2-210818927-A-C.
Other names: c.7192A>C, p.Ile2398Leu (NM_032504.2); c.7177A>C, p.Ile2393Leu (NM_182587.4); short protein forms I2398L, I2464L, I2393L.
Identifiers: ClinVar variation 2008115 (VCV002008115.4), dbSNP rs2471194818, ClinGen allele CA350775708.
Genomic context (GRCh38, chr2:209,954,203, plus strand): 5'-CTACAAAAGCTAAAGAGGCAGACATCACAGGTGGAGACAGTACCTGCTGCCCGAGAGGAG[A>C]TTGCGGCCACTGCTGCTCTTGCGACGTCCCTACAGGCCCTTTTGTACAGTGTAGAGGTCC-3'
Protein context (NP_001358915.1, residues 2454-2474): VETVPAAREE[Ile2464Leu]AATAALATSL